The following is an entry in ClinVar:

NM_001113378.2(FANCI):c.1675A>G (p.Ser559Gly)

Gene: FANCI (FA complementation group I; plus strand). Cytogenetic location: 15q26.1.
Variant type: single nucleotide variant.
Coding change: c.1675A>G on transcript NM_001113378.2 (MANE Select); coding-DNA position 1675, A replaced by G.
Protein change: p.Ser559Gly; replaces serine 559 with glycine.
Molecular consequence: missense variant.
Genome position (GRCh38, 1-based): chr15:89,283,227, A>G. VCF-style: chr15-89283227-A-G. GRCh37 (hg19) VCF-style: chr15-89826458-A-G.
Other names: c.1396A>G, p.Ser466Gly (NM_001376910.1); c.1675A>G, p.Ser559Gly (NM_001376911.1, NM_018193.3); short protein forms S559G, S466G.
Identifiers: ClinVar variation 2201344 (VCV002201344.4), dbSNP rs775789044, ClinGen allele CA393745122.

ClinVar aggregate classification (germline): Uncertain significance (1 of 4 stars; one submission).

Conditions:
Fanconi anemia (FA). Also called: Fanconi's anemia. Identifiers: Orphanet 84, MedGen C0015625, MeSH D005199, MONDO:0019391.

Submission:

Labcorp Genetics (formerly Invitae), Labcorp
Classification: Uncertain significance for Fanconi anemia. Last evaluated: 2022-02-20. Review status: criteria provided, single submitter. Criteria: Invitae Variant Classification Sherloc (09022015). Collection method: clinical testing. Allele origin: germline.
Comment: In summary, the available evidence is currently insufficient to determine the role of this variant in disease. Therefore, it has been classified as a Variant of Uncertain Significance. Algorithms developed to predict the effect of missense changes on protein structure and function are either unavailable or do not agree on the potential impact of this missense change (SIFT: "Deleterious"; PolyPhen-2: "Possibly Damaging"; Align-GVGD: "Class C0"). This variant has not been reported in the literature in individuals affected with FANCI-related conditions. This variant is not present in population databases (gnomAD no frequency). This sequence change replaces serine, which is neutral and polar, with glycine, which is neutral and non-polar, at codon 559 of the FANCI protein (p.Ser559Gly).